The following is an entry in ClinVar:

ClinVar aggregate classification (germline): Uncertain significance (1 of 4 stars; one submission).

Conditions:
Inborn genetic diseases. Identifiers: MedGen C0950123, MeSH D030342.

gnomAD v4.1: 7 of 1,614,052 alleles (0.00043%); highest among the groups gnomAD compares: Non-Finnish European, 0.00059%; no homozygotes.

Submission:

Ambry Genetics
Classification: Uncertain significance for Inborn genetic diseases. Last evaluated: 2025-05-21. Review status: criteria provided, single submitter. Criteria: Ambry Variant Classification Scheme 2023. Collection method: clinical testing. Allele origin: germline.
Comment: The p.P769L variant (also known as c.2306C>T), located in coding exon 12 of the BMPR2 gene, results from a C to T substitution at nucleotide position 2306. The proline at codon 769 is replaced by leucine, an amino acid with similar properties. This amino acid position is conserved. In addition, the in silico prediction for this alteration is inconclusive. Based on the available evidence, the clinical significance of this variant remains unclear.

NM_001204.7(BMPR2):c.2306C>T (p.Pro769Leu)

Gene: BMPR2 (bone morphogenetic protein receptor type 2; plus strand). Cytogenetic location: 2q33.2.
Variant type: single nucleotide variant.
Coding change: c.2306C>T on transcript NM_001204.7 (MANE Select); coding-DNA position 2306, C replaced by T.
Protein change: p.Pro769Leu; replaces proline 769 with leucine.
Molecular consequence: missense variant.
Genome position (GRCh38, 1-based): chr2:202,555,971, C>T. VCF-style: chr2-202555971-C-T. GRCh37 (hg19) VCF-style: chr2-203420694-C-T.
Other names: short protein forms P769L.
Identifiers: ClinVar variation 3992192 (VCV003992192.1).
Genomic context (GRCh38, chr2:202,555,971, plus strand): 5'-AGAACCTTCCCAAGAGACCTACTAGTTTGCCTTTGAACACCAAAAATTCAACAAAAGAGC[C>T]CCGGCTAAAATTTGGCAGCAAGCACAAATCAAACTTGAAACAAGTCGAAACTGGAGTTGC-3'
Protein context (NP_001195.2, residues 759-779): PLNTKNSTKE[Pro769Leu]RLKFGSKHKS